The following is an entry in ClinVar:

NM_001164508.2(NEB):c.9875T>C (p.Ile3292Thr)

Gene: NEB (nebulin; minus strand). Cytogenetic location: 2q23.3.
Variant type: single nucleotide variant.
Coding change: c.9875T>C on transcript NM_001164508.2 (MANE Select); coding-DNA position 9875, T replaced by C.
Protein change: p.Ile3292Thr; replaces isoleucine 3292 with threonine.
Molecular consequence: missense variant.
Genome position (GRCh38, 1-based): chr2:151,627,791, A>G on the plus strand (T>C on the coding strand, the complement: NEB is on the minus strand). VCF-style: chr2-151627791-A-G. GRCh37 (hg19) VCF-style: chr2-152484305-A-G.
Other names: c.9875T>C, p.Ile3292Thr (NM_001164507.2, NM_001271208.2); c.9146T>C, p.Ile3049Thr (NM_004543.5); short protein forms I3292T, I3049T.
Identifiers: ClinVar variation 969308 (VCV000969308.13), dbSNP rs186634689, ClinGen allele CA1909171.

ClinVar aggregate classification (germline): Uncertain significance. Review status: criteria provided, multiple submitters, no conflicts (2 of 4 stars). 5 submissions from 5 submitters: Uncertain significance (4). 1 of the submissions does not count toward it. Last evaluated 2025-07-04.

Conditions:
Nemaline myopathy 2 (NEM2). Also called: Nemaline myopathy 2, autosomal recessive. Identifiers: MedGen C1850569, MONDO:0009725, OMIM 256030.
Arthrogryposis multiplex congenita 6. Identifiers: MedGen C5543431, MONDO:0030281, OMIM 619334.

Allele frequency attached by ClinVar (database versions not stated): gnomAD exomes 0.00002 and 0.00003; ExAC 0.00004; ESP Exome Variant Server 0.00008; gnomAD 0.00002; TOPMed 0.00002; 1000 Genomes Project 30x 0.00016; 1000 Genomes Project 0.00020.
gnomAD v4.1: 28 of 1,613,972 alleles (0.0017%); highest among the groups gnomAD compares: Non-Finnish European, 0.0021%; no homozygotes.

Submissions (5):

Dasa
Classification: Uncertain significance. Last evaluated: 2025-07-04. Review status: criteria provided, single submitter. Criteria: DASA Assertion Criteria. Collection method: clinical testing. Allele origin: germline.
Comment: NM_001164508.2(NEB):c.9875T>C (p.Ile3292Thr) is a missense variant that results in the substitution of isoleucine with threonine. This variant is rare in population databases. Computational prediction algorithms are consistent with a benign effect. The currently available literature and clinical evidence are not sufficient to establish a definitive association between this variant and the reported condition. Therefore, this variant is classified as a variant of uncertain significance.

Labcorp Genetics (formerly Invitae), Labcorp
Classification: Uncertain significance for Nemaline myopathy 2. Last evaluated: 2024-12-02. Review status: criteria provided, single submitter. Criteria: Invitae Variant Classification Sherloc (09022015). Collection method: clinical testing. Allele origin: germline.
Comment: This sequence change replaces isoleucine, which is neutral and non-polar, with threonine, which is neutral and polar, at codon 3292 of the NEB protein (p.Ile3292Thr). This variant is present in population databases (rs186634689, gnomAD 0.006%). This variant has not been reported in the literature in individuals affected with NEB-related conditions. ClinVar contains an entry for this variant (Variation ID: 969308). Experimental studies and prediction algorithms are not available or were not evaluated, and the functional significance of this variant is currently unknown. In summary, the available evidence is currently insufficient to determine the role of this variant in disease. Therefore, it has been classified as a Variant of Uncertain Significance.

Revvity Omics, Revvity
Classification: Uncertain significance. Last evaluated: 2021-10-26. Review status: criteria provided, single submitter. Criteria: ACMG Guidelines, 2015. Collection method: clinical testing. Allele origin: germline.

Fulgent Genetics
Classification: Uncertain significance for Nemaline myopathy 2; Arthrogryposis multiplex congenita 6. Last evaluated: 2021-07-29. Review status: criteria provided, single submitter. Criteria: ACMG Guidelines, 2015. Collection method: clinical testing. Allele origin: unknown.

Natera, Inc.
Classification: Uncertain significance for Nemaline myopathy type 2. Last evaluated: 2020-01-24. Review status: no assertion criteria provided. Collection method: clinical testing. Allele origin: germline. Not counted in ClinVar's aggregate classification.